The following is an entry in ClinVar:

NM_000264.5(PTCH1):c.3006G>A (p.Thr1002=)

Gene: PTCH1 (patched 1; minus strand). Cytogenetic location: 9q22.32.
Variant type: single nucleotide variant.
Coding change: c.3006G>A on transcript NM_000264.5 (MANE Select); coding-DNA position 3006, G replaced by A.
Protein change: p.Thr1002=; no amino-acid change (threonine 1002 retained).
Molecular consequence: synonymous variant. On other transcripts: non-coding transcript variant (1).
Genome position (GRCh38, 1-based): chr9:95,458,175, C>T on the plus strand (G>A on the coding strand, the complement: PTCH1 is on the minus strand). VCF-style: chr9-95458175-C-T. GRCh37 (hg19) VCF-style: chr9-98220457-C-T.
Other names: c.2808G>A, p.Thr936= (NM_001083602.3); c.3003G>A, p.Thr1001= (NM_001083603.3); c.2553G>A, p.Thr851= (NM_001083604.3, NM_001083605.3, NM_001083606.3 and 1 more transcripts); c.2850G>A, p.Thr950= (NM_001354918.2); c.3006G>A (NM_000264.4).
Identifiers: ClinVar variation 524648 (VCV000524648.25), dbSNP rs142362404, ClinGen allele CA5138271.

ClinVar aggregate classification (germline): Benign/Likely benign. Review status: criteria provided, multiple submitters, no conflicts (2 of 4 stars). 10 submissions from 9 submitters: Benign (1); Likely benign (9). Last evaluated 2025-12-29.

Conditions:
Hereditary cancer-predisposing syndrome. Also called: Hereditary neoplastic syndrome; Hereditary Cancer Syndrome; Neoplastic Syndromes, Hereditary; Tumor predisposition. Identifiers: Orphanet 140162, MedGen C0027672, MeSH D009386, MONDO:0015356.
Gorlin syndrome. Also called: Nevoid Basal Cell Carcinoma Syndrome; Basal cell nevus syndrome. Identifiers: Orphanet 377, MedGen C0004779, MONDO:0007187.
Holoprosencephaly 7 (HPE7). Identifiers: Orphanet 2162, MedGen C1835820, MONDO:0012562, OMIM 610828.
PTCH1-related disorder. Also called: PTCH1-related disorders; PTCH1-related condition.

Allele frequency attached by ClinVar (database versions not stated): gnomAD 0.00002; gnomAD exomes 0.00002 and 0.00006; ExAC 0.00005; ESP Exome Variant Server 0.00008; TOPMed 0.00008.
gnomAD v4.1: 29 of 1,614,028 alleles (0.0018%); highest among the groups gnomAD compares: Admixed American, 0.027%; no homozygotes.

Submissions (10):

Center for Genomic Medicine, Rigshospitalet, Copenhagen University Hospital
Classification: Likely benign. Last evaluated: 2025-12-29. Review status: criteria provided, single submitter. Criteria: ACMG Guidelines, 2015. Collection method: clinical testing. Allele origin: germline.

Labcorp Genetics (formerly Invitae), Labcorp
Classification: Likely benign for Gorlin syndrome. Last evaluated: 2025-12-28. Review status: criteria provided, single submitter. Criteria: Invitae Variant Classification Sherloc (09022015). Collection method: clinical testing. Allele origin: germline.

PreventionGenetics, part of Exact Sciences
Classification: Likely benign for PTCH1-related condition. Last evaluated: 2025-06-25. Review status: criteria provided, single submitter. Criteria: ACMG Guidelines, 2015. Collection method: clinical testing. Allele origin: germline.
Comment: This variant is classified as likely benign based on ACMG/AMP sequence variant interpretation guidelines (Richards et al. 2015 PMID: 25741868, with internal and published modifications).

Blueprint Genetics
Classification: Likely benign. Last evaluated: 2023-06-19. Review status: criteria provided, single submitter. Criteria: ACMG Guidelines, 2015. Collection method: clinical testing. Allele origin: germline.

Quest Diagnostics Nichols Institute San Juan Capistrano
Classification: Benign. Last evaluated: 2022-10-09. Review status: criteria provided, single submitter. Criteria: Quest Diagnostics criteria. Collection method: clinical testing. Allele origin: unknown.

Sema4
Classification: Likely benign for Hereditary cancer-predisposing syndrome. Last evaluated: 2021-08-23. Review status: criteria provided, single submitter. Criteria: Sema4 Curation Guidelines. Collection method: curation. Allele origin: germline.

GeneDx
Classification: Likely benign. Last evaluated: 2021-02-03. Review status: criteria provided, single submitter. Criteria: GeneDx Variant Classification Process June 2021. Collection method: clinical testing. Allele origin: germline. Affected: yes.

Ambry Genetics
Classification: Likely benign for Hereditary cancer-predisposing syndrome. Last evaluated: 2019-01-11. Review status: criteria provided, single submitter. Criteria: Ambry Variant Classification Scheme 2023. Collection method: clinical testing. Allele origin: germline.

Illumina Laboratory Services, Illumina
Classification: Likely benign for Basal cell nevus syndrome 1. Last evaluated: 2017-04-28. Review status: criteria provided, single submitter. Criteria: ICSL Variant Classification Criteria 13 December 2019. Collection method: clinical testing. Allele origin: germline.
Comment: This variant was observed as part of a predisposition screen in an ostensibly healthy population. A literature search was performed for the gene, cDNA change, and amino acid change (where applicable). No publications were found based on this search. Allele frequency data from public databases allowed determination this variant is unlikely to cause disease. Therefore, this variant is classified as likely benign.

Illumina Laboratory Services, Illumina
Classification: Likely benign for Holoprosencephaly 7. Last evaluated: 2017-04-28. Review status: criteria provided, single submitter. Criteria: ICSL Variant Classification Criteria 13 December 2019. Collection method: clinical testing. Allele origin: germline.
Comment: the same text as in the submission from Illumina Laboratory Services, Illumina above.